The following is an entry in ClinVar:

ClinVar aggregate classification (germline): Likely benign (1 of 4 stars; one submission).

Allele frequency attached by ClinVar (database versions not stated): ExAC 0.00001; gnomAD 0.00002; gnomAD exomes 0.00003.
gnomAD v4.1: 48 of 1,554,052 alleles (0.0031%); highest among the groups gnomAD compares: Non-Finnish European, 0.0035%; 1 homozygote.

Submission:

CeGaT Center for Human Genetics Tuebingen
Classification: Likely benign. Last evaluated: 2022-11-01. Review status: criteria provided, single submitter. Criteria: CeGaT Center For Human Genetics Tuebingen Variant Classification Criteria Version 2. Collection method: clinical testing. Allele origin: germline. Affected: yes. Observed: 1 variant allele.
Comment: PRR27: BP4, BP7

NM_214711.4(PRR27):c.498T>G (p.Ala166=)

Gene: PRR27 (proline rich 27; plus strand). Cytogenetic location: 4q13.3.
Variant type: single nucleotide variant.
Coding change: c.498T>G on transcript NM_214711.4 (MANE Select); coding-DNA position 498, T replaced by G.
Protein change: p.Ala166=; no amino-acid change (alanine 166 retained).
Molecular consequence: synonymous variant.
Genome position (GRCh38, 1-based): chr4:70,158,750, T>G. VCF-style: chr4-70158750-T-G. GRCh37 (hg19) VCF-style: chr4-71024467-T-G.
Identifiers: ClinVar variation 2654793 (VCV002654793.24), dbSNP rs201990073, ClinGen allele CA2949178.
Genomic context (GRCh38, chr4:70,158,750, plus strand): 5'-TGAGCCTGCTGCAGGGGCCCCTGTTGCAGCTGAGCCTGCTGCAGAGGCACCTGTTGGAGC[T>G]GAGCCTGCTGCAGAGGCACCTGTTGCAGCTGAGCCTGCTGCAGAGGCACCTGTTGGAGTG-3'
Protein context (NP_999876.2, residues 156-176): AEPAAEAPVG[Ala166=]EPAAEAPVAA